The following is an entry in ClinVar:

NM_001042492.3(NF1):c.4766C>T (p.Thr1589Met)

Gene: NF1 (neurofibromin 1; plus strand). Cytogenetic location: 17q11.2.
Variant type: single nucleotide variant.
Coding change: c.4766C>T on transcript NM_001042492.3 (MANE Select); coding-DNA position 4766, C replaced by T.
Protein change: p.Thr1589Met; replaces threonine 1589 with methionine.
Molecular consequence: missense variant.
Genome position (GRCh38, 1-based): chr17:31,265,270, C>T. VCF-style: chr17-31265270-C-T. GRCh37 (hg19) VCF-style: chr17-29592288-C-T.
Other names: c.4703C>T, p.Thr1568Met (NM_000267.4); short protein forms T1568M, T1589M.
Identifiers: ClinVar variation 216405 (VCV000216405.23), dbSNP rs185660700, ClinGen allele CA335711.

ClinVar aggregate classification (germline): Conflicting classifications of pathogenicity. Review status: criteria provided, conflicting classifications (1 of 4 stars). 11 submissions from 10 submitters: Uncertain significance (9); Likely benign (2). Last evaluated 2026-01-01.

Conditions:
Hereditary cancer-predisposing syndrome. Also called: Hereditary Cancer Syndrome; Tumor predisposition; Hereditary neoplastic syndrome; Neoplastic Syndromes, Hereditary. Identifiers: Orphanet 140162, MedGen C0027672, MeSH D009386, MONDO:0015356.
Cardiovascular phenotype. Identifiers: MedGen CN230736.
Juvenile myelomonocytic leukemia (JMML). Also called: LEUKEMIA, JUVENILE MYELOMONOCYTIC, SOMATIC. Identifiers: Orphanet 86834, MedGen C0349639, MONDO:0011908, OMIM 607785, HP:0012209.
Neurofibromatosis, familial spinal (FSNF). Identifiers: Orphanet 636, MedGen C1834235, MONDO:0008078, OMIM 162210. Disease mechanism: loss of function.
Neurofibromatosis, type 1 (NF1). Also called: Peripheral type neurofibromatosis; VON RECKLINGHAUSEN DISEASE; NEUROFIBROMATOSIS, TYPE I, SOMATIC; Neurofibromatosis, type I. Identifiers: Orphanet 636, MedGen C0027831, MONDO:0018975, OMIM 162200. Disease mechanism: loss of function.
Neurofibromatosis-Noonan syndrome (NFNS). Also called: NEUROFIBROMATOSIS WITH NOONAN PHENOTYPE. Identifiers: Orphanet 638, MedGen C2931482, MONDO:0011035, OMIM 601321. Disease mechanism: loss of function.
Café-au-lait macules with pulmonary stenosis (WTSN). Also called: PULMONIC STENOSIS WITH CAFE-AU-LAIT SPOTS. Identifiers: MedGen C0553586, MONDO:0008672, OMIM 193520.

Allele frequency attached by ClinVar (database versions not stated): gnomAD exomes 0.00001 and 0.00002; gnomAD 0.00001; ExAC 0.00002; TOPMed 0.00004; 1000 Genomes Project 30x 0.00016; 1000 Genomes Project 0.00020.
gnomAD v4.1: 16 of 1,613,228 alleles (0.00099%); highest among the groups gnomAD compares: African/African-American, 0.0027%; no homozygotes.

Submissions (11):

Labcorp Genetics (formerly Invitae), Labcorp
Classification: Likely benign for Neurofibromatosis, type 1. Last evaluated: 2026-01-01. Review status: criteria provided, single submitter. Criteria: Invitae Variant Classification Sherloc (09022015). Collection method: clinical testing. Allele origin: germline.

Dasa
Classification: Uncertain significance. Last evaluated: 2025-12-02. Review status: criteria provided, single submitter. Criteria: DASA Assertion Criteria. Collection method: clinical testing. Allele origin: germline.
Comment: NM_001042492.3(NF1):c.4766C>T (p.Thr1589Met) is a missense variant that results in the substitution of threonine with methionine. This variant is rare in population databases. The currently available literature and clinical evidence are not sufficient to establish a definitive association between this variant and the reported condition. Therefore, this variant is classified as a variant of uncertain significance.

Quest Diagnostics Nichols Institute San Juan Capistrano
Classification: Uncertain significance. Last evaluated: 2025-02-07. Review status: criteria provided, single submitter. Criteria: Quest Diagnostics criteria. Collection method: clinical testing. Allele origin: unknown.

ARUP Laboratories, Molecular Genetics and Genomics, ARUP Laboratories
Classification: Uncertain significance. Last evaluated: 2023-05-03. Review status: criteria provided, single submitter. Criteria: ARUP Molecular Germline Variant Investigation Process 2024. Collection method: clinical testing. Allele origin: germline.
Comment: The NF1 c.4766C>T; p.Thr1589Met variant (rs185660700), is reported in the literature in individuals affected with breast cancer but is also found in controls (Momozawa 2018). This variant is reported in ClinVar (Variation ID: 216405) and is found in the general population with an overall allele frequency of 0.0025% (7/282,338 alleles) in the Genome Aggregation Database. Computational analyses are uncertain whether this variant is neutral or deleterious (REVEL: 0.318). Due to limited information, the clinical significance of this variant is uncertain at this time. References: Momozawa Y et al. Germline pathogenic variants of 11 breast cancer genes in 7,051 Japanese patients and 11,241 controls. Nat Commun. 2018 Oct 4;9(1):4083. PMID: 30287823.

Ambry Genetics
Classification: Likely benign for Cardiovascular phenotype; Hereditary cancer-predisposing syndrome. Last evaluated: 2023-01-11. Review status: criteria provided, single submitter. Criteria: Ambry Variant Classification Scheme 2023. Collection method: clinical testing. Allele origin: germline.

GeneDx
Classification: Uncertain significance. Last evaluated: 2022-11-23. Review status: criteria provided, single submitter. Criteria: GeneDx Variant Classification Process June 2021. Collection method: clinical testing. Allele origin: germline. Affected: yes.
Comment: In silico analysis supports that this missense variant has a deleterious effect on protein structure/function; Identified in individuals with breast cancer (Momozawa 2018); This variant is associated with the following publications: (PMID: 30287823)

Fulgent Genetics
Classification: Uncertain significance for Neurofibromatosis, type 1; Neurofibromatosis, familial spinal; Café-au-lait macules with pulmonary stenosis; Neurofibromatosis-Noonan syndrome; Juvenile myelomonocytic leukemia. Last evaluated: 2022-05-31. Review status: criteria provided, single submitter. Criteria: ACMG Guidelines, 2015. Collection method: clinical testing. Allele origin: unknown.

Genome-Nilou Lab
Classification: Uncertain significance for Neurofibromatosis, type 1. Last evaluated: 2022-03-15. Review status: criteria provided, single submitter. Criteria: ACMG Guidelines, 2015. Collection method: clinical testing. Allele origin: germline. Affected: no.

Sema4
Classification: Uncertain significance for Hereditary cancer-predisposing syndrome. Last evaluated: 2022-02-21. Review status: criteria provided, single submitter. Criteria: Sema4 Curation Guidelines. Collection method: curation. Allele origin: germline.
Comment: The NF1 c.4703C>T (p.T1568M) variant has been reported in heterozygosity in at least 2 individuals with breast cancer (PMID: 30287823, 33471991). This variant was observed in 3/19934 chromosomes in the East Asian population according to the Genome Aggregation Database (PMID: 32461654), and has been reported in ClinVar (Variation ID: 216405). Functional studies have not been performed, and in silico predictions of the variant's effect on protein function are inconclusive. There is no indication that this variant causes disease, but the evidence is insufficient currently to prove that conclusively. Thus, the clinical significance of this variant is currently uncertain.

PreventionGenetics, part of Exact Sciences
Classification: Uncertain significance. Last evaluated: 2017-05-30. Review status: criteria provided, single submitter. Criteria: ACMG Guidelines, 2015. Collection method: clinical testing. Allele origin: germline.

Ambry Genetics
Classification: Uncertain significance for Hereditary cancer-predisposing syndrome. Last evaluated: 2015-12-10. Review status: criteria provided, single submitter. Criteria: Ambry Autosomal Dominant and X-Linked criteria (10/2015). Collection method: clinical testing. Allele origin: germline. Observed: 1 variant allele.
Comment: The p.T1589M variant (also known as c.4766C>T), located in coding exon 36 of the NF1 gene, results from a C to T substitution at nucleotide position 4766. The threonine at codon 1589 is replaced by methionine, an amino acid with similar properties. This variant was previously reported in the SNPDatabase as rs185660700. Based on data from the 1000 Genomes Project, the T allele has an overall frequency of approximately 0.05% (1/2098) total alleles studied. The highest observed frequency was 0.94% (1/106) African-American SW alleles. This variant was not reported in the NHLBI Exome Sequencing Project (ESP) population-based cohort.To date, this alteration has been detected with an allele frequency of approximately 0.002% (greater than 110000alleles tested) in our clinical cohort.This amino acid position is highly conserved in available vertebrate species. In addition, this alteration is predicted to be deleterious by in silico analysis.Since supporting evidence is limited at this time, the clinical significance of p.T1589Mremains unclear.

Literature cited by the submitters: PubMed 30287823 (cited by Sema4); PubMed 33471991 (cited by Sema4).